The following is an entry in ClinVar:

NM_018136.5(ASPM):c.4477A>G (p.Ile1493Val)

Gene: ASPM (assembly factor for spindle microtubules; minus strand). Cytogenetic location: 1q31.3.
Variant type: single nucleotide variant.
Coding change: c.4477A>G on transcript NM_018136.5 (MANE Select); coding-DNA position 4477, A replaced by G.
Protein change: p.Ile1493Val; replaces isoleucine 1493 with valine.
Molecular consequence: missense variant. On other transcripts: intron variant (1).
Genome position (GRCh38, 1-based): chr1:197,104,774, T>C on the plus strand (A>G on the coding strand, the complement: ASPM is on the minus strand). VCF-style: chr1-197104774-T-C. GRCh37 (hg19) VCF-style: chr1-197073904-T-C.
Other names: c.4066-8610A>G (NM_001206846.2); short protein forms I1493V.
Identifiers: ClinVar variation 3684105 (VCV003684105.2).
Genomic context (GRCh38, chr1:197,104,774, plus strand): 5'-ACTCTTTTCTTCTTTTATATAACTTTTGGGCTTGAAAGCACCGAAATCTTTTCTGAATGA[T>C]AACAACACAAGATCTAATATAAATATATTTCCGTAATTCTTTATGCATTCTATACCATGA-3'
Protein context (NP_060606.3, residues 1483-1503): KYIYIRSCVV[Ile1493Val]IQKRFRCFQA

ClinVar aggregate classification (germline): Uncertain significance (1 of 4 stars; one submission).

gnomAD v4.1: 1 of 1,597,184 alleles (0.000063%); highest among the groups gnomAD compares: South Asian, 0.0011%; no homozygotes.

Submission:

Labcorp Genetics (formerly Invitae), Labcorp
Classification: Uncertain significance. Last evaluated: 2024-10-07. Review status: criteria provided, single submitter. Criteria: Invitae Variant Classification Sherloc (09022015). Collection method: clinical testing. Allele origin: germline.
Comment: This sequence change replaces isoleucine, which is neutral and non-polar, with valine, which is neutral and non-polar, at codon 1493 of the ASPM protein (p.Ile1493Val). This variant is not present in population databases (gnomAD no frequency). This variant has not been reported in the literature in individuals affected with ASPM-related conditions. Invitae Evidence Modeling of protein sequence and biophysical properties (such as structural, functional, and spatial information, amino acid conservation, physicochemical variation, residue mobility, and thermodynamic stability) indicates that this missense variant is not expected to disrupt ASPM protein function with a negative predictive value of 80%. In summary, the available evidence is currently insufficient to determine the role of this variant in disease. Therefore, it has been classified as a Variant of Uncertain Significance.